The following is an entry in ClinVar:

ClinVar aggregate classification (germline): Uncertain significance. Review status: criteria provided, multiple submitters, no conflicts (2 of 4 stars). 3 submissions from 3 submitters: Uncertain significance (2). 1 of the submissions does not count toward it. Last evaluated 2022-07-12.

Conditions:
Neuronal ceroid lipofuscinosis 1 (CLN1). Also called: CEROID LIPOFUSCINOSIS, NEURONAL, 1, VARIABLE AGE AT ONSET; PPT1-Related Neuronal Ceroid-Lipofuscinosis. Identifiers: Orphanet 228329, MedGen C1850451, MONDO:0009744, OMIM 256730.
Inborn genetic diseases. Identifiers: MedGen C0950123, MeSH D030342.

Allele frequency attached by ClinVar (database versions not stated): TOPMed 0.00002; gnomAD 0.00006.
gnomAD v4.1: 15 of 1,613,856 alleles (0.00093%); highest among the groups gnomAD compares: African/African-American, 0.0053%; no homozygotes.

Submissions (3):

Labcorp Genetics (formerly Invitae), Labcorp
Classification: Uncertain significance for Neuronal ceroid lipofuscinosis 1. Last evaluated: 2022-07-12. Review status: criteria provided, single submitter. Criteria: Invitae Variant Classification Sherloc (09022015). Collection method: clinical testing. Allele origin: germline.
Comment: This sequence change replaces cysteine, which is neutral and slightly polar, with tyrosine, which is neutral and polar, at codon 6 of the PPT1 protein (p.Cys6Tyr). This variant is present in population databases (rs202241486, gnomAD 0.008%). This variant has not been reported in the literature in individuals affected with PPT1-related conditions. ClinVar contains an entry for this variant (Variation ID: 533954). Advanced modeling of protein sequence and biophysical properties (such as structural, functional, and spatial information, amino acid conservation, physicochemical variation, residue mobility, and thermodynamic stability) performed at Invitae indicates that this missense variant is not expected to disrupt PPT1 protein function. In summary, the available evidence is currently insufficient to determine the role of this variant in disease. Therefore, it has been classified as a Variant of Uncertain Significance.

Ambry Genetics
Classification: Uncertain significance for Inborn genetic diseases. Last evaluated: 2022-06-24. Review status: criteria provided, single submitter. Criteria: Ambry Variant Classification Scheme 2023. Collection method: clinical testing. Allele origin: germline.

Natera, Inc.
Classification: Uncertain significance for Neuronal ceroid lipofuscinosis 1. Last evaluated: 2020-11-06. Review status: no assertion criteria provided. Collection method: clinical testing. Allele origin: germline. Not counted in ClinVar's aggregate classification.

NM_000310.4(PPT1):c.17G>A (p.Cys6Tyr)

Gene: PPT1 (palmitoyl-protein thioesterase 1; minus strand). Cytogenetic location: 1p34.2.
Variant type: single nucleotide variant.
Coding change: c.17G>A on transcript NM_000310.4 (MANE Select); coding-DNA position 17, G replaced by A.
Protein change: p.Cys6Tyr; replaces cysteine 6 with tyrosine.
Molecular consequence: missense variant.
Genome position (GRCh38, 1-based): chr1:40,097,222, C>T on the plus strand (G>A on the coding strand, the complement: PPT1 is on the minus strand). VCF-style: chr1-40097222-C-T. GRCh37 (hg19) VCF-style: chr1-40562894-C-T.
Other names: c.17G>A, p.Cys6Tyr (NM_001142604.2, NM_001363695.2); short protein forms C6Y.
Identifiers: ClinVar variation 533954 (VCV000533954.7), dbSNP rs202241486, ClinGen allele CA789859.